The following is an entry in ClinVar:

NM_004977.3(KCNC3):c.869G>T (p.Arg290Met)

Gene: KCNC3 (potassium voltage-gated channel subfamily C member 3; minus strand). Cytogenetic location: 19q13.33.
Variant type: single nucleotide variant.
Coding change: c.869G>T on transcript NM_004977.3 (MANE Select); coding-DNA position 869, G replaced by T.
Protein change: p.Arg290Met; replaces arginine 290 with methionine.
Molecular consequence: missense variant.
Genome position (GRCh38, 1-based): chr19:50,328,214, C>A on the plus strand (G>T on the coding strand, the complement: KCNC3 is on the minus strand). VCF-style: chr19-50328214-C-A. GRCh37 (hg19) VCF-style: chr19-50831471-C-A.
Other names: c.641G>T, p.Arg214Met (NM_001372305.1); short protein forms R214M, R290M.
Identifiers: ClinVar variation 4812865 (VCV004812865.1).
Genomic context (GRCh38, chr19:50,328,214, plus strand): 5'-ACTGGGGGCGCCTGGAGAGGCGGGGGTGGGGTGGATGGGGGCCCCGAGAGCGCGCTCACC[C>A]TGGCAGCCCGCGACGAGTAGGGGTCCTCGAAGAGCGCCCACACGCGGGGCTGCCAGCGGC-3'
Protein context (NP_004968.2, residues 280-300): FEDPYSSRAA[Arg290Met]YVAFASLFFI

ClinVar aggregate classification (germline): Uncertain significance (1 of 4 stars; one submission).

Conditions:
Adult onset neurodegenerative disorder.

Submission:

Cambridge Genomics Laboratory, East Genomic Laboratory Hub, NHS Genomic Medicine Service
Classification: Uncertain significance for Adult onset neurodegenerative disorder. Last evaluated: 2023-12-06. Review status: criteria provided, single submitter. Criteria: ACGS Best Practice Guidelines for Variant Classification in Rare Disease 2020. Collection method: clinical testing. Allele origin: germline. Affected: yes.
Comment: The p.Arg290Met variant is novel (not in any individuals) in gnomAD All. The p.Arg290Met variant is novel (not in any individuals) in 1kG All. The p.Arg290Met variant is novel (not in any individuals) in gnomAD Genomes v3 All. (PM2 - Moderate) | The gene KCNC3 has a low rate of benign missense variation as indicated by a high missense variants Z-Score of 3.04. The gene KCNC3 contains 4 pathogenic missense variants, indicating that missense variants are a common mechanism of disease in this gene. (PP2 - Supporting) | The p.Arg290Met missense variant is predicted to be damaging by both SIFT and PolyPhen2. The arginine residue at codon 290 of KCNC3 is conserved in all mammalian species. The nucleotide c.869 in KCNC3 is predicted conserved by GERP++ and PhyloP across 100 vertebrates. (PP3 - Supporting)